The following is an entry in ClinVar:

NM_001012614.2(CTBP1):c.424G>A (p.Gly142Ser)

Gene: CTBP1 (C-terminal binding protein 1; minus strand). Cytogenetic location: 4p16.3.
Variant type: single nucleotide variant.
Coding change: c.424G>A on transcript NM_001012614.2 (MANE Select); coding-DNA position 424, G replaced by A.
Protein change: p.Gly142Ser; replaces glycine 142 with serine.
Molecular consequence: missense variant.
Genome position (GRCh38, 1-based): chr4:1,225,450, C>T on the plus strand (G>A on the coding strand, the complement: CTBP1 is on the minus strand). VCF-style: chr4-1225450-C-T. GRCh37 (hg19) VCF-style: chr4-1219238-C-T.
Other names: c.457G>A, p.Gly153Ser (NM_001328.3, NM_001377186.1); c.424G>A, p.Gly142Ser (NM_001377187.1, NM_001377188.1, NM_001377189.1 and 4 more transcripts); short protein forms G142S, G153S.
Identifiers: ClinVar variation 5019515 (VCV005019515.2).

ClinVar aggregate classification (germline): Uncertain significance (1 of 4 stars; one submission).

Conditions:
Hypotonia, ataxia, developmental delay, and tooth enamel defect syndrome. Identifiers: MedGen C4693578, MONDO:0060666, OMIM 617915.

Submission:

Juno Genomics, Hangzhou Juno Genomics, Inc
Classification: Uncertain significance for Hypotonia, ataxia, developmental delay, and tooth enamel defect syndrome. Review status: criteria provided, single submitter. Criteria: ACMG Guidelines, 2015. Collection method: clinical testing. Allele origin: germline.
Comment: Absent from controls (or at extremely low frequency if recessive) in Genome Aggregation Database.;Multiple lines of computational evidence support a deleterious effect on the gene or gene product.